The following is an entry in ClinVar:

ClinVar aggregate classification (germline): Uncertain significance (1 of 4 stars; one submission).

gnomAD v4.1: 9 of 1,571,174 alleles (0.00057%); highest among the groups gnomAD compares: Non-Finnish European, 0.00078%; no homozygotes.

Submission:

Labcorp Genetics (formerly Invitae), Labcorp
Classification: Uncertain significance. Last evaluated: 2025-02-10. Review status: criteria provided, single submitter. Criteria: Invitae Variant Classification Sherloc (09022015). Collection method: clinical testing. Allele origin: germline.
Comment: This sequence change replaces alanine, which is neutral and non-polar, with serine, which is neutral and polar, at codon 2439 of the DCHS1 protein (p.Ala2439Ser). This variant is not present in population databases (gnomAD no frequency). This variant has not been reported in the literature in individuals affected with DCHS1-related conditions. Invitae Evidence Modeling of protein sequence and biophysical properties (such as structural, functional, and spatial information, amino acid conservation, physicochemical variation, residue mobility, and thermodynamic stability) indicates that this missense variant is expected to disrupt DCHS1 protein function with a positive predictive value of 80%. In summary, the available evidence is currently insufficient to determine the role of this variant in disease. Therefore, it has been classified as a Variant of Uncertain Significance.

NM_003737.4(DCHS1):c.7315G>T (p.Ala2439Ser)

Gene: DCHS1 (dachsous cadherin-related 1; minus strand). Cytogenetic location: 11p15.4.
Variant type: single nucleotide variant.
Coding change: c.7315G>T on transcript NM_003737.4 (MANE Select); coding-DNA position 7315, G replaced by T.
Protein change: p.Ala2439Ser; replaces alanine 2439 with serine.
Molecular consequence: missense variant.
Genome position (GRCh38, 1-based): chr11:6,624,361, C>A on the plus strand (G>T on the coding strand, the complement: DCHS1 is on the minus strand). VCF-style: chr11-6624361-C-A. GRCh37 (hg19) VCF-style: chr11-6645592-C-A.
Other names: short protein forms A2439S.
Identifiers: ClinVar variation 3674354 (VCV003674354.2).